The following is an entry in ClinVar:

NM_000540.3(RYR1):c.6989G>A (p.Arg2330His)

Gene: RYR1 (ryanodine receptor 1; plus strand). Cytogenetic location: 19q13.2.
Variant type: single nucleotide variant.
Coding change: c.6989G>A on transcript NM_000540.3 (MANE Select); coding-DNA position 6989, G replaced by A.
Protein change: p.Arg2330His; replaces arginine 2330 with histidine.
Molecular consequence: missense variant.
Genome position (GRCh38, 1-based): chr19:38,499,205, G>A. VCF-style: chr19-38499205-G-A. GRCh37 (hg19) VCF-style: chr19-38989845-G-A.
Other names: c.6989G>A, p.Arg2330His (NM_001042723.2); short protein forms R2330H.
Identifiers: ClinVar variation 2435497 (VCV002435497.9), dbSNP rs774118116, ClinGen allele CA068966.

ClinVar aggregate classification (germline): Uncertain significance. Review status: criteria provided, multiple submitters, no conflicts (2 of 4 stars). 5 submissions from 5 submitters: Uncertain significance (5). Last evaluated 2025-02-25.

Conditions:
RYR1-related disorder. Also called: RYR1-related disorders; RYR1-related condition. Identifiers: MedGen CN239331.
Malignant hyperthermia, susceptibility to, 1 (MHS1). Also called: Malignant hyperthermia suceptibility 1; RYR1-Related Malignant Hyperthermia Susceptibility; Anesthesia related hyperthermia; Malignant hyperpyrexia; Fulminating hyperpyrexia; Pharmacogenic myopathy. Identifiers: Orphanet 423, MedGen C2930980, MONDO:0007783, OMIM 145600.

Allele frequency attached by ClinVar (database versions not stated): TOPMed below 0.00001; gnomAD exomes 0.00001; ExAC 0.00004.
gnomAD v4.1: 9 of 1,614,198 alleles (0.00056%); highest among the groups gnomAD compares: Admixed American, 0.005%; no homozygotes.

Submissions (5):

Women's Health and Genetics/Laboratory Corporation of America, LabCorp
Classification: Uncertain significance. Last evaluated: 2025-02-25. Review status: criteria provided, single submitter. Criteria: LabCorp Variant Classification Summary - May 2015. Collection method: clinical testing. Allele origin: germline.
Comment: Variant summary: RYR1 c.6989G>A (p.Arg2330His) results in a non-conservative amino acid change located in the RIH domain (IPR000699) of the encoded protein sequence. Four of five in-silico tools predict a damaging effect of the variant on protein function. The variant allele was found at a frequency of 2e-05 in 251390 control chromosomes. The available data on variant occurrences in the general population are insufficient to allow any conclusion about variant significance. To our knowledge, no occurrence of c.6989G>A in individuals affected with Congenital multicore myopathy with external ophthalmoplegia and no experimental evidence demonstrating its impact on protein function have been reported. ClinVar contains an entry for this variant (Variation ID: 2435497). Based on the evidence outlined above, the variant was classified as uncertain significance.

Labcorp Genetics (formerly Invitae), Labcorp
Classification: Uncertain significance for RYR1-related disorder. Last evaluated: 2023-11-18. Review status: criteria provided, single submitter. Criteria: Invitae Variant Classification Sherloc (09022015). Collection method: clinical testing. Allele origin: germline.
Comment: This sequence change replaces arginine, which is basic and polar, with histidine, which is basic and polar, at codon 2330 of the RYR1 protein (p.Arg2330His). This variant is present in population databases (rs774118116, gnomAD 0.01%). This variant has not been reported in the literature in individuals affected with RYR1-related conditions. ClinVar contains an entry for this variant (Variation ID: 2435497). Advanced modeling of protein sequence and biophysical properties (such as structural, functional, and spatial information, amino acid conservation, physicochemical variation, residue mobility, and thermodynamic stability) performed at Invitae indicates that this missense variant is expected to disrupt RYR1 protein function with a positive predictive value of 80%. In summary, the available evidence is currently insufficient to determine the role of this variant in disease. Therefore, it has been classified as a Variant of Uncertain Significance.

Color Diagnostics, LLC DBA Color Health
Classification: Uncertain significance for Malignant hyperthermia, susceptibility to, 1. Last evaluated: 2023-11-08. Review status: criteria provided, single submitter. Criteria: ACMG Guidelines, 2015. Collection method: clinical testing. Allele origin: germline.
Comment: This missense variant replaces arginine with histidine at codon 2330 of the RYR1 protein. Computational prediction is inconclusive regarding the impact of this variant on protein structure and function. To our knowledge, functional studies have not been reported for this variant. This variant has not been reported in individuals affected with RYR1-related disorders in the literature. This variant has been identified in 5/251390 chromosomes in the general population by the Genome Aggregation Database (gnomAD). The available evidence is insufficient to determine the role of this variant in disease conclusively. Therefore, this variant is classified as a Variant of Uncertain Significance.

Blueprint Genetics
Classification: Uncertain significance. Last evaluated: 2022-09-09. Review status: criteria provided, single submitter. Criteria: ACMG Guidelines, 2015. Collection method: clinical testing. Allele origin: germline.

Revvity Omics, Revvity
Classification: Uncertain significance. Last evaluated: 2019-05-31. Review status: criteria provided, single submitter. Criteria: ACMG Guidelines, 2015. Collection method: clinical testing. Allele origin: germline.